The following is an entry in ClinVar:

NM_001128178.3(NPHP1):c.43C>T (p.Arg15Cys)

Gene: NPHP1 (nephrocystin 1; minus strand). Cytogenetic location: 2q13.
Variant type: single nucleotide variant.
Coding change: c.43C>T on transcript NM_001128178.3 (MANE Select); coding-DNA position 43, C replaced by T.
Protein change: p.Arg15Cys; replaces arginine 15 with cysteine.
Molecular consequence: missense variant.
Genome position (GRCh38, 1-based): chr2:110,204,926, G>A on the plus strand (C>T on the coding strand, the complement: NPHP1 is on the minus strand). VCF-style: chr2-110204926-G-A. GRCh37 (hg19) VCF-style: chr2-110962503-G-A.
Other names: c.43C>T, p.Arg15Cys (NM_000272.5, NM_001128179.3, NM_001374256.1 and 2 more transcripts); short protein forms R15C.
Identifiers: ClinVar variation 3201642 (VCV003201642.2), dbSNP rs373915635, ClinGen allele CA53546480.

ClinVar aggregate classification (germline): Uncertain significance. Review status: criteria provided, multiple submitters, no conflicts (2 of 4 stars). 2 submissions from 2 submitters: Uncertain significance (2). Last evaluated 2025-10-31.

Conditions:
NPHP1-related disorder. Also called: NPHP1-related disorders; NPHP1-related condition.
Inborn genetic diseases. Identifiers: MedGen C0950123, MeSH D030342.

Allele frequency attached by ClinVar (database versions not stated): ESP Exome Variant Server 0.00008.
gnomAD v4.1: 7 of 1,613,902 alleles (0.00043%); highest among the groups gnomAD compares: African/African-American, 0.0067%; no homozygotes.

Submissions (2):

PreventionGenetics, part of Exact Sciences
Classification: Uncertain significance for NPHP1-related condition. Last evaluated: 2025-10-31. Review status: criteria provided, single submitter. Criteria: ACMG Guidelines, 2015. Collection method: clinical testing. Allele origin: germline.
Comment: The NPHP1 c.43C>T variant is predicted to result in the amino acid substitution p.Arg15Cys. To our knowledge, this variant has not been reported in the literature or in a large population database (gnomAD), indicating this variant is rare. At this time, the clinical significance of this variant is uncertain due to the absence of conclusive functional and genetic evidence.

Ambry Genetics
Classification: Uncertain significance for Inborn genetic diseases. Last evaluated: 2024-01-04. Review status: criteria provided, single submitter. Criteria: Ambry Variant Classification Scheme 2023. Collection method: clinical testing. Allele origin: germline.